The following is an entry in ClinVar:

ClinVar aggregate classification (germline): Likely pathogenic (1 of 4 stars; one submission).

Conditions:
Marfan syndrome (MFS). Also called: Marfan syndrome type 1; Marfan's syndrome; FBN1-Related Marfan Syndrome; MARFAN SYNDROME, TYPE I; Marfan syndrome, classic. Identifiers: Orphanet 284963, Orphanet 558, MedGen C0024796, MONDO:0007947, OMIM 154700.

Submission:

Centre of Medical Genetics, University of Antwerp
Classification: Likely pathogenic for Marfan syndrome. Last evaluated: 2021-03-01. Review status: criteria provided, single submitter. Criteria: Submitter's publication. Collection method: research. Allele origin: unknown. Affected: yes. Observed: 2 variant alleles.
Comment: PM2, PS7, PP1, PP4

GRCh37/hg19 15q21.1(chr15:48720543-48730114)

Gene: FBN1 (fibrillin 1; minus strand). Cytogenetic location: 15q21.1.
Variant type: copy number loss.
Identifiers: ClinVar variation 1325466 (VCV001325466.2).